The following is an entry in ClinVar:

NM_014855.3(AP5Z1):c.1424G>A (p.Cys475Tyr)

Gene: AP5Z1 (adaptor related protein complex 5 subunit zeta 1; plus strand). Cytogenetic location: 7p22.1.
Variant type: single nucleotide variant.
Coding change: c.1424G>A on transcript NM_014855.3 (MANE Select); coding-DNA position 1424, G replaced by A.
Protein change: p.Cys475Tyr; replaces cysteine 475 with tyrosine.
Molecular consequence: missense variant. On other transcripts: non-coding transcript variant (1).
Genome position (GRCh38, 1-based): chr7:4,787,746, G>A. VCF-style: chr7-4787746-G-A. GRCh37 (hg19) VCF-style: chr7-4827377-G-A.
Other names: c.956G>A, p.Cys319Tyr (NM_001364858.1); short protein forms C319Y, C475Y.
Identifiers: ClinVar variation 1976544 (VCV001976544.5), dbSNP rs2534061287, ClinGen allele CA366663039.
Genomic context (GRCh38, chr7:4,787,746, plus strand): 5'-CGGCCCTGGTGGACGCTGGCACAGCCCTGGAGATGCTGCACGCGCTGCTGGACCTGCCCT[G>A]CTTGACGGCGGTGCTGGACCTGCAGCTCAGGTGGGCCCCTCACCCTCTGCCAGCGCTGCG-3'
Protein context (NP_055670.1, residues 465-485): EMLHALLDLP[Cys475Tyr]LTAVLDLQLR

ClinVar aggregate classification (germline): Uncertain significance (1 of 4 stars; one submission).

Conditions:
Hereditary spastic paraplegia 48. Also called: SPASTIC PARAPLEGIA 48, AUTOSOMAL RECESSIVE; Spastic paraplegia 48. Identifiers: Orphanet 306511, MedGen C3150901, MONDO:0013342, OMIM 613647.

gnomAD v4.1: 4 of 1,543,800 alleles (0.00026%); highest among the groups gnomAD compares: African/African-American, 0.0014%; no homozygotes.

Submission:

Labcorp Genetics (formerly Invitae), Labcorp
Classification: Uncertain significance for Hereditary spastic paraplegia 48. Last evaluated: 2022-08-21. Review status: criteria provided, single submitter. Criteria: Invitae Variant Classification Sherloc (09022015). Collection method: clinical testing. Allele origin: germline.
Comment: In summary, the available evidence is currently insufficient to determine the role of this variant in disease. Therefore, it has been classified as a Variant of Uncertain Significance. Algorithms developed to predict the effect of missense changes on protein structure and function are either unavailable or do not agree on the potential impact of this missense change (SIFT: "Deleterious"; PolyPhen-2: "Probably Damaging"; Align-GVGD: "Class C0"). This variant has not been reported in the literature in individuals affected with AP5Z1-related conditions. This variant is not present in population databases (gnomAD no frequency). This sequence change replaces cysteine, which is neutral and slightly polar, with tyrosine, which is neutral and polar, at codon 475 of the AP5Z1 protein (p.Cys475Tyr).